The following is an entry in ClinVar:

NM_000535.7(PMS2):c.2007-244G>A

Gene: PMS2 (PMS1 homolog 2, mismatch repair system component; minus strand). Cytogenetic location: 7p22.1.
Variant type: single nucleotide variant.
Coding change: c.2007-244G>A on transcript NM_000535.7 (MANE Select); 244 bases into the intron before coding-DNA position 2007, G replaced by A.
Molecular consequence: intron variant.
Genome position (GRCh38, 1-based): chr7:5,983,235, C>T on the plus strand (G>A on the coding strand, the complement: PMS2 is on the minus strand). VCF-style: chr7-5983235-C-T. GRCh37 (hg19) VCF-style: chr7-6022866-C-T.
Other names: c.1689-244G>A (NM_001322008.2, NM_001406883.1, NM_001322007.2 and 1 more transcripts); c.1698-244G>A (NM_001406881.1, NM_001406879.1, NM_001322015.2 and 5 more transcripts); c.1602-244G>A (NM_001406895.1, NM_001322004.2, NM_001406889.1 and 14 more transcripts); c.1236-244G>A (NM_001406911.1); c.1446-244G>A (NM_001322010.2, NM_001406906.1, NM_001406907.1); c.1533-244G>A (NM_001406902.1, NM_001406901.1); c.1494-244G>A (NM_001406904.1, NM_001406905.1); c.1434-244G>A (NM_001322013.2, NM_001406909.1); and 16 more.
Identifiers: ClinVar variation 4083712 (VCV004083712.8).
Genomic context (GRCh38, chr7:5,983,235, plus strand): 5'-CAATCTTGGCTCACTGCAACCTCCACCTCCCGGGTTCGAGTGATTCTTCTGCCTCAGCCT[C>T]CTGAGTAGCTGGGATTACAGGTGCGCCACCATGCCCAGCTAATTTTTGTATTTTTAGTAG-3'

ClinVar aggregate classification (germline): Likely benign (1 of 4 stars; one submission).

gnomAD v4.1: 492 of 151,560 alleles (0.32%); highest among the groups gnomAD compares: Non-Finnish European, 0.48%; 4 homozygotes.

Submission:

CeGaT Center for Human Genetics Tuebingen
Classification: Likely benign. Last evaluated: 2026-10-01. Review status: criteria provided, single submitter. Criteria: CeGaT Center For Human Genetics Tuebingen Variant Classification Criteria Version 2. Collection method: clinical testing. Allele origin: germline. Affected: yes. Observed: 14 variant alleles.
Comment: PMS2: BS2